The following is an entry in ClinVar:

NM_004385.5(VCAN):c.4718A>G (p.Glu1573Gly)

Genes: VCAN (versican; plus strand), VCAN-AS1 (VCAN antisense RNA 1; minus strand). Cytogenetic location: 5q14.3.
Variant type: single nucleotide variant.
Coding change: c.4718A>G on transcript NM_004385.5 (MANE Select); coding-DNA position 4718, A replaced by G.
Protein change: p.Glu1573Gly; replaces glutamic acid 1573 with glycine.
Molecular consequence: missense variant. On other transcripts: intron variant (2).
Genome position (GRCh38, 1-based): chr5:83,537,721, A>G. VCF-style: chr5-83537721-A-G. GRCh37 (hg19) VCF-style: chr5-82833540-A-G.
Other names: c.1757A>G, p.Glu586Gly (NM_001164097.2); c.4004-7816A>G (NM_001164098.2); c.1043-7816A>G (NM_001126336.3); short protein forms E586G, E1573G.
Identifiers: ClinVar variation 1913060 (VCV001913060.5), dbSNP rs2479104992, ClinGen allele CA360308864.

ClinVar aggregate classification (germline): Uncertain significance (1 of 4 stars; one submission).

Submission:

Labcorp Genetics (formerly Invitae), Labcorp
Classification: Uncertain significance. Last evaluated: 2022-06-29. Review status: criteria provided, single submitter. Criteria: Invitae Variant Classification Sherloc (09022015). Collection method: clinical testing. Allele origin: germline.
Comment: In summary, the available evidence is currently insufficient to determine the role of this variant in disease. Therefore, it has been classified as a Variant of Uncertain Significance. Algorithms developed to predict the effect of missense changes on protein structure and function output the following: SIFT: "Deleterious"; PolyPhen-2: "Benign"; Align-GVGD: "Class C15". The glycine amino acid residue is found in multiple mammalian species, which suggests that this missense change does not adversely affect protein function. This variant has not been reported in the literature in individuals affected with VCAN-related conditions. This variant is not present in population databases (gnomAD no frequency). This sequence change replaces glutamic acid, which is acidic and polar, with glycine, which is neutral and non-polar, at codon 1573 of the VCAN protein (p.Glu1573Gly).